The following is an entry in ClinVar:

NM_002734.5(PRKAR1A):c.155_156insGAGGA (p.Tyr53fs)

Gene: PRKAR1A (protein kinase cAMP-dependent type I regulatory subunit alpha; plus strand). Cytogenetic location: 17q24.2.
Variant type: Insertion.
Coding change: c.155_156insGAGGA on transcript NM_002734.5 (MANE Select); coding-DNA positions 155 to 156, GAGGA inserted.
Protein change: p.Tyr53fs; shifts the reading frame from tyrosine 53.
Molecular consequence: frameshift variant.
Genome position: GRCh38 VCF-style: chr17-68515551-G-GGGAGA. GRCh37 (hg19) VCF-style: chr17-66511692-G-GGGAGA.
Other names: c.155_156insGAGGA, p.Tyr53fs (NM_001276289.2, NM_001276290.1, NM_001278433.2 and 4 more transcripts); short protein forms Y53fs.
Identifiers: ClinVar variation 3648839 (VCV003648839.2).

ClinVar aggregate classification (germline): Pathogenic (1 of 4 stars; one submission).

Conditions:
Carney complex, type 1 (CNC1). Also called: CARNEY MYXOMA-ENDOCRINE COMPLEX; CARNEY COMPLEX, TYPE I. Identifiers: Orphanet 1359, MedGen C2607929, MONDO:0008057, OMIM 160980.

Submission:

Labcorp Genetics (formerly Invitae), Labcorp
Classification: Pathogenic for Carney complex, type 1. Last evaluated: 2024-04-22. Review status: criteria provided, single submitter. Criteria: Invitae Variant Classification Sherloc (09022015). Collection method: clinical testing. Allele origin: germline.
Comment: This sequence change creates a premature translational stop signal (p.Tyr53Argfs*78) in the PRKAR1A gene. It is expected to result in an absent or disrupted protein product. Loss-of-function variants in PRKAR1A are known to be pathogenic (PMID: 11115848, 19293268). This variant is not present in population databases (gnomAD no frequency). This variant has not been reported in the literature in individuals affected with PRKAR1A-related conditions. For these reasons, this variant has been classified as Pathogenic.

Literature cited by the submitters: PubMed 11115848; PubMed 19293268.